The following is an entry in ClinVar:

NM_176824.3(BBS7):c.36+4A>G

Genes: BBS7 (Bardet-Biedl syndrome 7; minus strand), LOC129993036 (ATAC-STARR-seq lymphoblastoid active region 21872; plus strand). Cytogenetic location: 4q27.
Variant type: single nucleotide variant.
Coding change: c.36+4A>G on transcript NM_176824.3 (MANE Select); 4 bases into the intron after coding-DNA position 36, A replaced by G.
Molecular consequence: intron variant.
Genome position (GRCh38, 1-based): chr4:121,870,274, T>C on the plus strand (A>G on the coding strand, the complement: BBS7 is on the minus strand). VCF-style: chr4-121870274-T-C. GRCh37 (hg19) VCF-style: chr4-122791429-T-C.
Other names: c.36+4A>G (NM_018190.4, NM_176824.2).
Identifiers: ClinVar variation 2185476 (VCV002185476.2), dbSNP rs753936177, ClinGen allele CA3064637.

ClinVar aggregate classification (germline): Conflicting classifications of pathogenicity. Review status: criteria provided, conflicting classifications (1 of 4 stars). 2 submissions from 2 submitters: Uncertain significance (1); Likely benign (1). Last evaluated 2025-03-17.

Conditions:
BBS7-related disorder. Also called: BBS7-related condition.
Bardet-Biedl syndrome (BBS). Identifiers: Orphanet 110, MedGen C0752166, MONDO:0015229.

Allele frequency attached by ClinVar (database versions not stated): TOPMed below 0.00001; ExAC 0.00002.
gnomAD v4.1: 3 of 1,614,146 alleles (0.00019%); highest among the groups gnomAD compares: Admixed American, 0.005%; no homozygotes.

Submissions (2):

PreventionGenetics, part of Exact Sciences
Classification: Likely benign for BBS7-related condition. Last evaluated: 2025-03-17. Review status: criteria provided, single submitter. Criteria: ACMG Guidelines, 2015. Collection method: clinical testing. Allele origin: germline.
Comment: This variant is classified as likely benign based on ACMG/AMP sequence variant interpretation guidelines (Richards et al. 2015 PMID: 25741868, with internal and published modifications).

Labcorp Genetics (formerly Invitae), Labcorp
Classification: Uncertain significance for Bardet-Biedl syndrome. Last evaluated: 2022-03-09. Review status: criteria provided, single submitter. Criteria: Invitae Variant Classification Sherloc (09022015). Collection method: clinical testing. Allele origin: germline.
Comment: This sequence change falls in intron 1 of the BBS7 gene. It does not directly change the encoded amino acid sequence of the BBS7 protein. It affects a nucleotide within the consensus splice site. This variant is present in population databases (rs753936177, gnomAD 0.009%). This variant has not been reported in the literature in individuals affected with BBS7-related conditions. Variants that disrupt the consensus splice site are a relatively common cause of aberrant splicing (PMID: 17576681, 9536098). Algorithms developed to predict the effect of sequence changes on RNA splicing suggest that this variant is not likely to affect RNA splicing. In summary, the available evidence is currently insufficient to determine the role of this variant in disease. Therefore, it has been classified as a Variant of Uncertain Significance.

Literature cited by the submitters: PubMed 17576681 (cited by Labcorp Genetics (formerly Invitae), Labcorp); PubMed 9536098 (cited by Labcorp Genetics (formerly Invitae), Labcorp).